The following is an entry in ClinVar:

NM_001142800.2(EYS):c.3634T>C (p.Cys1212Arg)

Gene: EYS (EGF-like photoreceptor maintenance factor; minus strand). Cytogenetic location: 6q12.
Variant type: single nucleotide variant.
Coding change: c.3634T>C on transcript NM_001142800.2 (MANE Select); coding-DNA position 3634, T replaced by C.
Protein change: p.Cys1212Arg; replaces cysteine 1212 with arginine.
Molecular consequence: missense variant.
Genome position (GRCh38, 1-based): chr6:64,617,468, A>G on the plus strand (T>C on the coding strand, the complement: EYS is on the minus strand). VCF-style: chr6-64617468-A-G. GRCh37 (hg19) VCF-style: chr6-65327361-A-G.
Other names: c.3634T>C, p.Cys1212Arg (NM_001292009.2); c.3634T>C (NM_001142800.1); short protein forms C1212R.
Identifiers: ClinVar variation 990043 (VCV000990043.5), dbSNP rs536260976, ClinGen allele CA3877144.

ClinVar aggregate classification (germline): Uncertain significance. Review status: criteria provided, multiple submitters, no conflicts (2 of 4 stars). 5 submissions from 5 submitters: Uncertain significance (4). 1 of the submissions does not count toward it. Last evaluated 2026-05-18.

Conditions:
Retinitis pigmentosa 25 (RP25). Identifiers: Orphanet 791, MedGen C1864446, MONDO:0011272, OMIM 602772.
EYS-related disorder. Also called: EYS-related condition.
Autosomal recessive retinitis pigmentosa. Identifiers: MedGen C0339526.

Allele frequency attached by ClinVar (database versions not stated): gnomAD below 0.00001 and 0.00004; TOPMed 0.00001; gnomAD exomes 0.00008 and 0.00021; 1000 Genomes Project 30x 0.00031; 1000 Genomes Project 0.00040; ExAC 0.00046.
gnomAD v4.1: 120 of 1,551,038 alleles (0.0077%); highest among the groups gnomAD compares: South Asian, 0.13%; no homozygotes.

Submissions (5):

Women's Health and Genetics/Laboratory Corporation of America, LabCorp
Classification: Uncertain significance. Last evaluated: 2026-05-18. Review status: criteria provided, single submitter. Criteria: LabCorp Variant Classification Summary - May 2015. Collection method: clinical testing. Allele origin: germline.

PreventionGenetics, part of Exact Sciences
Classification: Uncertain significance for EYS-related condition. Last evaluated: 2025-09-30. Review status: criteria provided, single submitter. Criteria: ACMG Guidelines, 2015. Collection method: clinical testing. Allele origin: germline.
Comment: The EYS c.3634T>C variant is predicted to result in the amino acid substitution p.Cys1212Arg. To our knowledge, this variant has not been reported in the literature. This variant is reported in 0.14% of alleles in individuals of South Asian descent in gnomAD, which is likely too frequent to be a primary cause of disease. Although we suspect that this variant may be benign, at this time, the clinical significance of this variant is uncertain due to the absence of conclusive functional and genetic evidence.

Blueprint Genetics
Classification: Uncertain significance. Last evaluated: 2023-02-20. Review status: criteria provided, single submitter. Criteria: ACMG Guidelines, 2015. Collection method: clinical testing. Allele origin: germline.

Fulgent Genetics
Classification: Uncertain significance for Retinitis pigmentosa 25. Last evaluated: 2021-07-28. Review status: criteria provided, single submitter. Criteria: ACMG Guidelines, 2015. Collection method: clinical testing. Allele origin: unknown.

Natera, Inc.
Classification: Uncertain significance for Autosomal recessive retinitis pigmentosa. Last evaluated: 2020-09-22. Review status: no assertion criteria provided. Collection method: clinical testing. Allele origin: germline. Not counted in ClinVar's aggregate classification.